The following is an entry in ClinVar:

NM_173689.7(CRB2):c.2737G>A (p.Ala913Thr)

Gene: CRB2 (crumbs cell polarity complex component 2; plus strand). Cytogenetic location: 9q33.3.
Variant type: single nucleotide variant.
Coding change: c.2737G>A on transcript NM_173689.7 (MANE Select); coding-DNA position 2737, G replaced by A.
Protein change: p.Ala913Thr; replaces alanine 913 with threonine.
Molecular consequence: missense variant. On other transcripts: non-coding transcript variant (1).
Genome position (GRCh38, 1-based): chr9:123,373,268, G>A. VCF-style: chr9-123373268-G-A. GRCh37 (hg19) VCF-style: chr9-126135547-G-A.
Other names: c.2737G>A (NM_173689.5); short protein forms A913T.
Identifiers: ClinVar variation 933908 (VCV000933908.8), dbSNP rs1016336000, ClinGen allele CA199638712.

ClinVar aggregate classification (germline): Conflicting classifications of pathogenicity. Review status: criteria provided, conflicting classifications (1 of 4 stars). 2 submissions from 2 submitters: Uncertain significance (1); Likely benign (1). Last evaluated 2022-10-12.

Conditions:
Inborn genetic diseases. Identifiers: MedGen C0950123, MeSH D030342.

Allele frequency attached by ClinVar (database versions not stated): gnomAD exomes 0.00001; gnomAD 0.00005 and 0.00006; TOPMed 0.00012.
gnomAD v4.1: 18 of 1,484,234 alleles (0.0012%); highest among the groups gnomAD compares: African/African-American, 0.022%; no homozygotes.

Submissions (2):

Ambry Genetics
Classification: Likely benign for Inborn genetic diseases. Last evaluated: 2022-10-12. Review status: criteria provided, single submitter. Criteria: Ambry Variant Classification Scheme 2023. Collection method: clinical testing. Allele origin: germline.

Labcorp Genetics (formerly Invitae), Labcorp
Classification: Uncertain significance. Last evaluated: 2019-10-01. Review status: criteria provided, single submitter. Criteria: Invitae Variant Classification Sherloc (09022015). Collection method: clinical testing. Allele origin: germline.
Comment: This sequence change replaces alanine with threonine at codon 913 of the CRB2 protein (p.Ala913Thr). The alanine residue is weakly conserved and there is a small physicochemical difference between alanine and threonine. In summary, the available evidence is currently insufficient to determine the role of this variant in disease. Therefore, it has been classified as a Variant of Uncertain Significance. Algorithms developed to predict the effect of missense changes on protein structure and function output the following: SIFT: "Tolerated"; PolyPhen-2: "Not Available"; Align-GVGD: "Class C0". The threonine amino acid residue is found in multiple mammalian species, suggesting that this missense change does not adversely affect protein function. These predictions have not been confirmed by published functional studies and their clinical significance is uncertain. This variant has not been reported in the literature in individuals with CRB2-related conditions. The frequency data for this variant in the population databases is considered unreliable, as metrics indicate insufficient coverage at this position in the ExAC database.